The following is an entry in ClinVar:

ClinVar aggregate classification (germline): Uncertain significance. Review status: criteria provided, multiple submitters, no conflicts (2 of 4 stars). 3 submissions from 3 submitters: Uncertain significance (3). Last evaluated 2026-02-09.

Conditions:
Hereditary nonpolyposis colorectal neoplasms. Identifiers: MedGen C0009405, MeSH D003123.
Lynch syndrome. Identifiers: Orphanet 144, MedGen C4552100, MONDO:0005835. Disease mechanism: loss of function.
Hereditary cancer-predisposing syndrome. Also called: Hereditary Cancer Syndrome; Tumor predisposition; Hereditary neoplastic syndrome; Neoplastic Syndromes, Hereditary. Identifiers: Orphanet 140162, MedGen C0027672, MeSH D009386, MONDO:0015356.

gnomAD v4.1: 1 of 1,613,720 alleles (0.000062%); highest among the groups gnomAD compares: Non-Finnish European, 0.000085%; no homozygotes.

Submissions (3):

Ambry Genetics
Classification: Uncertain significance for Hereditary cancer-predisposing syndrome. Last evaluated: 2026-02-09. Review status: criteria provided, single submitter. Criteria: Ambry Variant Classification Scheme 2023. Collection method: clinical testing. Allele origin: germline.
Comment: The p.K854N variant (also known as c.2562G>C), located in coding exon 4 of the MSH6 gene, results from a G to C substitution at nucleotide position 2562. The lysine at codon 854 is replaced by asparagine, an amino acid with similar properties. This amino acid position is well conserved in available vertebrate species. In addition, the in silico prediction for this alteration is inconclusive. Based on the available evidence, the clinical significance of this variant remains unclear.

Labcorp Genetics (formerly Invitae), Labcorp
Classification: Uncertain significance for Hereditary nonpolyposis colorectal neoplasms. Last evaluated: 2025-12-20. Review status: criteria provided, single submitter. Criteria: Invitae Variant Classification Sherloc (09022015). Collection method: clinical testing. Allele origin: germline.
Comment: This sequence change replaces lysine, which is basic and polar, with asparagine, which is neutral and polar, at codon 854 of the MSH6 protein (p.Lys854Asn). This variant is not present in population databases (gnomAD no frequency). This variant has not been reported in the literature in individuals affected with MSH6-related conditions. ClinVar contains an entry for this variant (Variation ID: 237160). Invitae Evidence Modeling of protein sequence and biophysical properties (such as structural, functional, and spatial information, amino acid conservation, physicochemical variation, residue mobility, and thermodynamic stability) has been performed for this missense variant. However, the output from this modeling did not meet the statistical confidence thresholds required to predict the impact of this variant on MSH6 protein function. In summary, the available evidence is currently insufficient to determine the role of this variant in disease. Therefore, it has been classified as a Variant of Uncertain Significance.

Hema, HEMA – Genetic and Molecular Diagnostic Laboratory
Classification: Uncertain significance for Lynch syndrome. Last evaluated: 2025-04-03. Review status: criteria provided, single submitter. Criteria: HEMA Variant Classification Assertion Criteria. Collection method: clinical testing. Allele origin: germline.
Comment: It is a transversion from guanine to cytosine, resulting in the substitution of lysine 854 with asparagine in the MSH6 protein. PM2_Supporting: Present at very low frequency in the gnomAD v4.1.0 database.

NM_000179.3(MSH6):c.2562G>C (p.Lys854Asn)

Gene: MSH6 (mutS homolog 6; plus strand). Cytogenetic location: 2p16.3.
Variant type: single nucleotide variant.
Coding change: c.2562G>C on transcript NM_000179.3 (MANE Select); coding-DNA position 2562, G replaced by C.
Protein change: p.Lys854Asn; replaces lysine 854 with asparagine.
Molecular consequence: missense variant.
Genome position (GRCh38, 1-based): chr2:47,800,545, G>C. VCF-style: chr2-47800545-G-C. GRCh37 (hg19) VCF-style: chr2-48027684-G-C.
Other names: c.2172G>C, p.Lys724Asn (NM_001281492.2); c.1656G>C, p.Lys552Asn (NM_001281493.2, NM_001281494.2); short protein forms K854N, K552N, K724N.
Identifiers: ClinVar variation 237160 (VCV000237160.12), dbSNP rs759048538, ClinGen allele CA10582064.